The following is an entry in ClinVar:

ClinVar aggregate classification (germline): Uncertain significance. Review status: criteria provided, multiple submitters, no conflicts (2 of 4 stars). 4 submissions from 4 submitters: Uncertain significance (4). Last evaluated 2025-11-30.

Conditions:
DNASE2-related disorder. Also called: DNASE2-related condition.

Allele frequency attached by ClinVar (database versions not stated): TOPMed below 0.00001; gnomAD 0.00003; gnomAD exomes 0.00004 and 0.00007; ExAC 0.00008; 1000 Genomes Project 30x 0.00031; 1000 Genomes Project 0.00040.

Submissions (4):

PreventionGenetics, part of Exact Sciences
Classification: Uncertain significance for DNASE2-related condition. Last evaluated: 2025-11-30. Review status: criteria provided, single submitter. Criteria: ACMG Guidelines, 2015. Collection method: clinical testing. Allele origin: germline.
Comment: The DNASE2 c.487C>T variant is predicted to result in the amino acid substitution p.Pro163Ser. To our knowledge, this variant has not been reported in the literature. This variant is reported in 0.052% of alleles in individuals of South Asian descent in gnomAD. Although we suspect that this variant may be benign, at this time, the clinical significance of this variant is uncertain due to the absence of conclusive functional and genetic evidence.

Mayo Clinic Laboratories, Mayo Clinic
Classification: Uncertain significance. Last evaluated: 2024-06-03. Review status: criteria provided, single submitter. Criteria: ACMG Guidelines, 2015. Collection method: clinical testing. Allele origin: germline. Observed: 1 variant allele.
Comment: BP4

Ambry Genetics
Classification: Uncertain significance. Last evaluated: 2024-05-14. Review status: criteria provided, single submitter. Criteria: Ambry Variant Classification Scheme 2023. Collection method: clinical testing. Allele origin: germline.

Labcorp Genetics (formerly Invitae), Labcorp
Classification: Uncertain significance. Last evaluated: 2022-02-06. Review status: criteria provided, single submitter. Criteria: Invitae Variant Classification Sherloc (09022015). Collection method: clinical testing. Allele origin: germline.
Comment: This sequence change replaces proline, which is neutral and non-polar, with serine, which is neutral and polar, at codon 163 of the DNASE2 protein (p.Pro163Ser). This variant is present in population databases (rs559395836, gnomAD 0.06%). This variant has not been reported in the literature in individuals affected with DNASE2-related conditions. Algorithms developed to predict the effect of missense changes on protein structure and function output the following: SIFT: "Tolerated"; PolyPhen-2: "Possibly Damaging"; Align-GVGD: "Class C0". The serine amino acid residue is found in multiple mammalian species, which suggests that this missense change does not adversely affect protein function. In summary, the available evidence is currently insufficient to determine the role of this variant in disease. Therefore, it has been classified as a Variant of Uncertain Significance.

NM_001375.3(DNASE2):c.487C>T (p.Pro163Ser)

Gene: DNASE2 (deoxyribonuclease 2, lysosomal; minus strand). Cytogenetic location: 19p13.13.
Variant type: single nucleotide variant.
Coding change: c.487C>T on transcript NM_001375.3 (MANE Select); coding-DNA position 487, C replaced by T.
Protein change: p.Pro163Ser; replaces proline 163 with serine.
Molecular consequence: missense variant.
Genome position (GRCh38, 1-based): chr19:12,878,694, G>A on the plus strand (C>T on the coding strand, the complement: DNASE2 is on the minus strand). VCF-style: chr19-12878694-G-A. GRCh37 (hg19) VCF-style: chr19-12989508-G-A.
Other names: p.Pro163Ser; c.487C>T (NM_001375.2); short protein forms P163S.
Identifiers: ClinVar variation 1525461 (VCV001525461.8), dbSNP rs559395836, ClinGen allele CA9233777.